The following is an entry in ClinVar:

NM_022356.4(P3H1):c.898del (p.Leu300fs)

Gene: P3H1 (prolyl 3-hydroxylase 1; minus strand). Cytogenetic location: 1p34.2.
Variant type: Deletion.
Coding change: c.898del on transcript NM_022356.4 (MANE Select); coding-DNA position 898, one base deleted (C; older notation c.898delC).
Protein change: p.Leu300fs; shifts the reading frame from leucine 300.
Molecular consequence: frameshift variant.
Genome position (GRCh38, 1-based): chr1:42,758,894, G deleted on the plus strand (C on the coding strand, the reverse complement: P3H1 is on the minus strand); the first of 2 consecutive G bases (chr1:42,758,894-42,758,895); deleting either gives the same sequence. VCF-style (leftmost placement, unchanged base first): chr1-42758893-AG-A. GRCh37 (hg19) VCF-style: chr1-43224564-AG-A.
Other names: c.898del, p.Leu300fs (NM_001146289.2, NM_001243246.2); short protein forms L300fs.
Identifiers: ClinVar variation 2722060 (VCV002722060.3), dbSNP rs2524470048, ClinGen allele CA2513924766.

ClinVar aggregate classification (germline): Pathogenic (1 of 4 stars; one submission).

Conditions:
Osteogenesis imperfecta type 8 (OI8). Identifiers: MedGen C1970458, MONDO:0012581, OMIM 610915.

Submission:

Labcorp Genetics (formerly Invitae), Labcorp
Classification: Pathogenic for Osteogenesis imperfecta type 8. Last evaluated: 2024-01-08. Review status: criteria provided, single submitter. Criteria: Invitae Variant Classification Sherloc (09022015). Collection method: clinical testing. Allele origin: germline.
Comment: This sequence change creates a premature translational stop signal (p.Leu300Serfs*37) in the P3H1 gene. It is expected to result in an absent or disrupted protein product. Loss-of-function variants in P3H1 are known to be pathogenic (PMID: 17277775, 18566967, 19088120, 22281939). This variant is not present in population databases (gnomAD no frequency). This variant has not been reported in the literature in individuals affected with P3H1-related conditions. For these reasons, this variant has been classified as Pathogenic.

Literature cited by the submitters: PubMed 17277775; PubMed 18566967; PubMed 19088120; PubMed 22281939.